The following is an entry in ClinVar:

ClinVar aggregate classification (germline): Benign/Likely benign. Review status: criteria provided, multiple submitters, no conflicts (2 of 4 stars). 2 submissions from 2 submitters: Benign (1); Likely benign (1). Last evaluated 2024-01-14.

Conditions:
Alpha thalassemia-X-linked intellectual disability syndrome (ATRX). Also called: X-linked alpha-thalassemia-mental retardation syndrome; ALPHA-THALASSEMIA/IMPAIRED INTELLECTUAL DEVELOPMENT SYNDROME, X-LINKED; ALPHA-THALASSEMIA/MENTAL RETARDATION SYNDROME, X-LINKED; ATR, NONDELETION TYPE; ATR-X syndrome; Alpha thalassemia mental retardation syndrome, nondeletion type, X-linked. Identifiers: Orphanet 847, MedGen C1845055, MONDO:0010519, OMIM 301040.

Allele frequency attached by ClinVar (database versions not stated): TOPMed 0.00004; gnomAD 0.00004 and 0.00002; gnomAD exomes 0.00003 and 0.00005; ExAC 0.00004.
gnomAD v4.1: 38 of 1,196,119 alleles (0.0032%); highest among the groups gnomAD compares: Non-Finnish European, 0.001%; no homozygotes.

Submissions (2):

Labcorp Genetics (formerly Invitae), Labcorp
Classification: Benign for Alpha thalassemia-X-linked intellectual disability syndrome. Last evaluated: 2024-01-14. Review status: criteria provided, single submitter. Criteria: Invitae Variant Classification Sherloc (09022015). Collection method: clinical testing. Allele origin: germline.

CeGaT Center for Human Genetics Tuebingen
Classification: Likely benign. Last evaluated: 2022-05-01. Review status: criteria provided, single submitter. Criteria: CeGaT Center For Human Genetics Tuebingen Variant Classification Criteria Version 2. Collection method: clinical testing. Allele origin: germline. Affected: yes. Observed: 1 variant allele.
Comment: ATRX: BP4, BP7

NM_000489.6(ATRX):c.3459A>G (p.Ser1153=)

Gene: ATRX (ATRX chromatin remodeler; minus strand). Cytogenetic location: Xq21.1.
Variant type: single nucleotide variant.
Coding change: c.3459A>G on transcript NM_000489.6 (MANE Select); coding-DNA position 3459, A replaced by G.
Protein change: p.Ser1153=; no amino-acid change (serine 1153 retained).
Molecular consequence: synonymous variant.
Genome position (GRCh38, 1-based): chrX:77,681,797, T>C on the plus strand (A>G on the coding strand, the complement: ATRX is on the minus strand). VCF-style: chrX-77681797-T-C. GRCh37 (hg19) VCF-style: chrX-76937289-T-C.
Other names: c.3345A>G, p.Ser1115= (NM_138270.5).
Identifiers: ClinVar variation 1165392 (VCV001165392.39), dbSNP rs782427169, ClinGen allele CA10457957.